The following is an entry in ClinVar:

NM_001148.6(ANK2):c.11047C>A (p.Gln3683Lys)

Gene: ANK2 (ankyrin 2; plus strand). Cytogenetic location: 4q26.
Variant type: single nucleotide variant.
Coding change: c.11047C>A on transcript NM_001148.6 (MANE Select); coding-DNA position 11047, C replaced by A.
Protein change: p.Gln3683Lys; replaces glutamine 3683 with lysine.
Molecular consequence: missense variant.
Genome position (GRCh38, 1-based): chr4:113,367,580, C>A. VCF-style: chr4-113367580-C-A. GRCh37 (hg19) VCF-style: chr4-114288736-C-A.
Other names: c.4606C>A, p.Gln1536Lys (NM_001386162.1, NM_001354249.2, NM_001354266.2 and 2 more transcripts); c.7447C>A, p.Gln2483Lys (NM_001386166.1); c.1192C>A, p.Gln398Lys (NM_001386167.1); c.11188C>A, p.Gln3730Lys (NM_001386174.1); c.11164C>A, p.Gln3722Lys (NM_001386175.1); c.4777C>A, p.Gln1593Lys (NM_001386186.2, NM_001386148.2); c.4657C>A, p.Gln1553Lys (NM_001386187.2); c.4792C>A, p.Gln1598Lys (NM_020977.5); and 35 more; short protein forms Q781K, Q1437K, Q1543K, Q1544K, Q1551K, Q1564K, Q1576K, Q1581K.
Identifiers: ClinVar variation 3020570 (VCV003020570.3), dbSNP rs2507387736, ClinGen allele CA357941839.

ClinVar aggregate classification (germline): Uncertain significance (1 of 4 stars; one submission).

Conditions:
Long QT syndrome (LQTS). Identifiers: MedGen C0023976, MeSH D008133, MONDO:0002442. Disease mechanism: loss of function. Inheritance: Various modes of inheritance.

Submission:

Labcorp Genetics (formerly Invitae), Labcorp
Classification: Uncertain significance for Long QT syndrome. Last evaluated: 2023-09-07. Review status: criteria provided, single submitter. Criteria: Invitae Variant Classification Sherloc (09022015). Collection method: clinical testing. Allele origin: germline.
Comment: An algorithm developed to predict the effect of missense changes on protein structure and function (PolyPhen-2) suggests that this variant is likely to be tolerated. In summary, the available evidence is currently insufficient to determine the role of this variant in disease. Therefore, it has been classified as a Variant of Uncertain Significance. This variant has not been reported in the literature in individuals affected with ANK2-related conditions. This variant is not present in population databases (gnomAD no frequency). This sequence change replaces glutamine, which is neutral and polar, with lysine, which is basic and polar, at codon 3683 of the ANK2 protein (p.Gln3683Lys).